The following is an entry in ClinVar:

NM_001267550.2(TTN):c.49649-3C>T

Genes: TTN (titin; minus strand), TTN-AS1 (TTN antisense RNA 1; plus strand). Cytogenetic location: 2q31.2.
Variant type: single nucleotide variant.
Coding change: c.49649-3C>T on transcript NM_001267550.2 (MANE Select); 3 bases into the intron before coding-DNA position 49649, C replaced by T.
Molecular consequence: intron variant.
Genome position (GRCh38, 1-based): chr2:178,613,075, G>A on the plus strand (C>T on the coding strand, the complement: TTN is on the minus strand). VCF-style: chr2-178613075-G-A. GRCh37 (hg19) VCF-style: chr2-179477802-G-A.
Other names: c.22454-3C>T (NM_003319.4); c.23030-3C>T (NM_133437.4); c.22829-3C>T (NM_133432.3); c.41945-3C>T (NM_133378.4); c.44726-3C>T (NM_001256850.1).
Identifiers: ClinVar variation 5041086 (VCV005041086.1).
Genomic context (GRCh38, chr2:178,613,075, plus strand): 5'-CTTACTGATGTTTTGCCTACATCTTTTACAGTTGGTTTTCCAGGGGGCCATGGAGGATCT[G>A]CAAGCCAATGAAATCATTGTTTAGGTTTGTCAAAAAGGAGTTCATATGAACTTCGAAATA-3'

ClinVar aggregate classification (germline): Uncertain significance (1 of 4 stars; one submission).

gnomAD v4.1: 10 of 1,612,366 alleles (0.00062%); highest among the groups gnomAD compares: Admixed American, 0.0017%; no homozygotes.

Submission:

CeGaT Center for Human Genetics Tuebingen
Classification: Uncertain significance. Last evaluated: 2026-09-01. Review status: criteria provided, single submitter. Criteria: CeGaT Center For Human Genetics Tuebingen Variant Classification Criteria Version 2. Collection method: clinical testing. Allele origin: germline. Affected: yes. Observed: 1 variant allele.
Comment: TTN: PM2:Supporting, BP4